The following is an entry in ClinVar:

ClinVar aggregate classification (germline): Benign. Review status: criteria provided, multiple submitters, no conflicts (2 of 4 stars). 6 submissions from 5 submitters: Benign (5). 1 of the submissions does not count toward it. Last evaluated 2026-02-03.

Conditions:
Vissers-Bodmer syndrome. Identifiers: MedGen C5436647, MONDO:0033618, OMIM 619033.
CNOT1-related disorder. Also called: CNOT1-related condition.
Holoprosencephaly 12 with or without pancreatic agenesis. Identifiers: MedGen C5193131, MONDO:0032787, OMIM 618500.

Allele frequency attached by ClinVar (database versions not stated): gnomAD exomes 0.31440 and 0.35670; ExAC 0.36844; gnomAD 0.38894 and 0.39211; ESP Exome Variant Server 0.39812; TOPMed 0.40300; 1000 Genomes Project 0.48522; 1000 Genomes Project 30x 0.48688.
gnomAD v4.1: 520,410 of 1,613,122 alleles (32%); highest among the groups gnomAD compares: East Asian, 61%; 91,063 homozygotes.

Submissions (6):

Labcorp Genetics (formerly Invitae), Labcorp
Classification: Benign. Last evaluated: 2026-02-03. Review status: criteria provided, single submitter. Criteria: Invitae Variant Classification Sherloc (09022015). Collection method: clinical testing. Allele origin: germline.

Genome-Nilou Lab
Classification: Benign for Holoprosencephaly 12 with or without pancreatic agenesis. Last evaluated: 2021-07-22. Review status: criteria provided, single submitter. Criteria: ACMG Guidelines, 2015. Collection method: clinical testing. Allele origin: germline. Affected: no.

Genome-Nilou Lab
Classification: Benign for Vissers-Bodmer syndrome. Last evaluated: 2021-07-22. Review status: criteria provided, single submitter. Criteria: ACMG Guidelines, 2015. Collection method: clinical testing. Allele origin: germline. Affected: no.

GeneDx
Classification: Benign. Last evaluated: 2019-10-08. Review status: criteria provided, single submitter. Criteria: GeneDx Variant Classification Process June 2021. Collection method: clinical testing. Allele origin: germline. Affected: yes.

Breakthrough Genomics
Classification: Benign. Review status: criteria provided, single submitter. Criteria: ACMG Guidelines, 2015. Collection method: not provided. Allele origin: germline. Inheritance: Autosomal dominant inheritance. Affected: yes.

PreventionGenetics, part of Exact Sciences
Classification: Benign for CNOT1-related condition. Last evaluated: 2019-10-18. Review status: no assertion criteria provided. Collection method: clinical testing. Allele origin: germline. Not counted in ClinVar's aggregate classification.
Comment: This variant is classified as benign based on ACMG/AMP sequence variant interpretation guidelines (Richards et al. 2015 PMID: 25741868, with internal and published modifications).

NM_016284.5(CNOT1):c.4716C>T (p.Tyr1572=)

Gene: CNOT1 (CCR4-NOT transcription complex subunit 1; minus strand). Cytogenetic location: 16q21.
Variant type: single nucleotide variant.
Coding change: c.4716C>T on transcript NM_016284.5 (MANE Select); coding-DNA position 4716, C replaced by T.
Protein change: p.Tyr1572=; no amino-acid change (tyrosine 1572 retained).
Molecular consequence: synonymous variant. On other transcripts: non-coding transcript variant (1).
Genome position (GRCh38, 1-based): chr16:58,541,585, G>A on the plus strand (C>T on the coding strand, the complement: CNOT1 is on the minus strand). VCF-style: chr16-58541585-G-A. GRCh37 (hg19) VCF-style: chr16-58575489-G-A.
Other names: c.4701C>T, p.Tyr1567= (NM_001265612.2); c.4716C>T (NM_016284.4); c.4701C>T (NM_001265612.1).
Identifiers: ClinVar variation 1217373 (VCV001217373.16), dbSNP rs11540994, ClinGen allele CA8089030.